The following is an entry in ClinVar:

NM_001376.5(DYNC1H1):c.13189C>T (p.His4397Tyr)

Gene: DYNC1H1 (dynein cytoplasmic 1 heavy chain 1; plus strand). Cytogenetic location: 14q32.31.
Variant type: single nucleotide variant.
Coding change: c.13189C>T on transcript NM_001376.5 (MANE Select); coding-DNA position 13189, C replaced by T.
Protein change: p.His4397Tyr; replaces histidine 4397 with tyrosine.
Molecular consequence: missense variant.
Genome position (GRCh38, 1-based): chr14:102,047,999, C>T. VCF-style: chr14-102047999-C-T. GRCh37 (hg19) VCF-style: chr14-102514336-C-T.
Other names: short protein forms H4397Y.
Identifiers: ClinVar variation 1328142 (VCV001328142.8), dbSNP rs2152600243, ClinGen allele CA391046678.

ClinVar aggregate classification (germline): Uncertain significance. Review status: criteria provided, multiple submitters, no conflicts (2 of 4 stars). 2 submissions from 2 submitters: Uncertain significance (2). Last evaluated 2024-04-03.

Conditions:
DYNC1H1-related neurodevelopmental disorders.
Charcot-Marie-Tooth disease axonal type 2O. Also called: Charcot-Marie-Tooth Neuropathy Type 2O; Charcot-Marie-Tooth disease, axonal, type 20; CHARCOT-MARIE-TOOTH NEUROPATHY, AXONAL, TYPE 2O; CHARCOT-MARIE-TOOTH DISEASE, AXONAL, AUTOSOMAL DOMINANT, TYPE 2O. Identifiers: Orphanet 284232, MedGen C3280220, MONDO:0013644, OMIM 614228.

gnomAD v4.1: 1 of 1,612,098 alleles (0.000062%); highest among the groups gnomAD compares: Non-Finnish European, 0.000085%; no homozygotes.

Submissions (2):

Labcorp Genetics (formerly Invitae), Labcorp
Classification: Uncertain significance for Charcot-Marie-Tooth disease axonal type 2O. Last evaluated: 2024-04-03. Review status: criteria provided, single submitter. Criteria: Invitae Variant Classification Sherloc (09022015). Collection method: clinical testing. Allele origin: germline.
Comment: This sequence change replaces histidine, which is basic and polar, with tyrosine, which is neutral and polar, at codon 4397 of the DYNC1H1 protein (p.His4397Tyr). This variant is not present in population databases (gnomAD no frequency). This variant has not been reported in the literature in individuals affected with DYNC1H1-related conditions. ClinVar contains an entry for this variant (Variation ID: 1328142). Advanced modeling of protein sequence and biophysical properties (such as structural, functional, and spatial information, amino acid conservation, physicochemical variation, residue mobility, and thermodynamic stability) performed at Invitae indicates that this missense variant is not expected to disrupt DYNC1H1 protein function with a negative predictive value of 95%. In summary, the available evidence is currently insufficient to determine the role of this variant in disease. Therefore, it has been classified as a Variant of Uncertain Significance.

Illumina Laboratory Services, Illumina
Classification: Uncertain significance for DYNC1H1-related neurodevelopmental disorders. Last evaluated: 2021-11-18. Review status: criteria provided, single submitter. Criteria: ICSLVariantClassificationCriteria RUGD 01 April 2020. Collection method: clinical testing. Allele origin: unknown.
Comment: The DYNC1H1 c.13189C>T (p.His4397Tyr) variant is a missense variant. A literature search was performed for the gene, cDNA change, and amino acid change. No publications were found based on this search. This variant is not found in the Genome Aggregation Database, version 2.1.1 or version 3.1.2, and is in a region of good sequence coverage, so the variant is presumed to be rare. Based on the limited evidence, the p.His4397Tyr variant is classified as a variant of uncertain significance for DYNC1H1-related neurodevelopmental disorders.